The following is an entry in ClinVar:

ClinVar aggregate classification (germline): Uncertain significance. Review status: criteria provided, multiple submitters, no conflicts (2 of 4 stars). 2 submissions from 2 submitters: Uncertain significance (2). Last evaluated 2025-12-09.

Conditions:
Inborn genetic diseases. Identifiers: MedGen C0950123, MeSH D030342.

Allele frequency attached by ClinVar (database versions not stated): gnomAD 0.00001; gnomAD exomes 0.00001; TOPMed 0.00001.

Submissions (2):

Ambry Genetics
Classification: Uncertain significance for Inborn genetic diseases. Last evaluated: 2025-12-09. Review status: criteria provided, single submitter. Criteria: Ambry Variant Classification Scheme 2023. Collection method: clinical testing. Allele origin: germline.

Labcorp Genetics (formerly Invitae), Labcorp
Classification: Uncertain significance. Last evaluated: 2021-12-07. Review status: criteria provided, single submitter. Criteria: Invitae Variant Classification Sherloc (09022015). Collection method: clinical testing. Allele origin: germline.
Comment: In summary, the available evidence is currently insufficient to determine the role of this variant in disease. Therefore, it has been classified as a Variant of Uncertain Significance. Algorithms developed to predict the effect of missense changes on protein structure and function (SIFT, PolyPhen-2, Align-GVGD) all suggest that this variant is likely to be tolerated. This variant has not been reported in the literature in individuals affected with BLOC1S3-related conditions. This variant is not present in population databases (gnomAD no frequency). This sequence change replaces arginine, which is basic and polar, with proline, which is neutral and non-polar, at codon 106 of the BLOC1S3 protein (p.Arg106Pro).

NM_212550.5(BLOC1S3):c.317G>C (p.Arg106Pro)

Gene: BLOC1S3 (biogenesis of lysosomal organelles complex 1 subunit 3; plus strand). Cytogenetic location: 19q13.32.
Variant type: single nucleotide variant.
Coding change: c.317G>C on transcript NM_212550.5 (MANE Select); coding-DNA position 317, G replaced by C.
Protein change: p.Arg106Pro; replaces arginine 106 with proline.
Molecular consequence: missense variant.
Genome position (GRCh38, 1-based): chr19:45,179,613, G>C. VCF-style: chr19-45179613-G-C. GRCh37 (hg19) VCF-style: chr19-45682871-G-C.
Other names: c.317G>C (NM_212550.3); short protein forms R106P.
Identifiers: ClinVar variation 2036171 (VCV002036171.5), dbSNP rs1969480346, ClinGen allele CA406344572.